The following is an entry in ClinVar:

NM_020975.6(RET):c.455C>G (p.Thr152Ser)

Gene: RET (ret proto-oncogene; plus strand). Cytogenetic location: 10q11.21.
Variant type: single nucleotide variant.
Coding change: c.455C>G on transcript NM_020975.6 (MANE Select); coding-DNA position 455, C replaced by G.
Protein change: p.Thr152Ser; replaces threonine 152 with serine.
Molecular consequence: missense variant. On other transcripts: intron variant (22).
Genome position (GRCh38, 1-based): chr10:43,102,459, C>G. VCF-style: chr10-43102459-C-G. GRCh37 (hg19) VCF-style: chr10-43597907-C-G.
Other names: c.337+1737C>G (NM_001406778.1, NM_001406775.1, NM_001406777.1 and 8 more transcripts); c.455C>G, p.Thr152Ser (NM_000323.2, NM_001406743.1, NM_001406744.1 and 16 more transcripts); c.338-12C>G (NM_001406764.1, NM_001406762.1, NM_001406761.1 and 4 more transcripts); c.74-6572C>G (NM_001406784.1); c.74-9640C>G (NM_001406794.1, NM_001406792.1, NM_001406793.1); short protein forms T152S.
Identifiers: ClinVar variation 2568359 (VCV002568359.2), dbSNP rs1837661343, ClinGen allele CA376770868.

ClinVar aggregate classification (germline): Uncertain significance (1 of 4 stars; one submission).

Conditions:
Hereditary cancer-predisposing syndrome. Also called: Hereditary neoplastic syndrome; Hereditary Cancer Syndrome; Neoplastic Syndromes, Hereditary; Tumor predisposition. Identifiers: Orphanet 140162, MedGen C0027672, MeSH D009386, MONDO:0015356.

Submission:

Ambry Genetics
Classification: Uncertain significance for Hereditary cancer-predisposing syndrome. Last evaluated: 2023-05-25. Review status: criteria provided, single submitter. Criteria: Ambry Variant Classification Scheme 2023. Collection method: clinical testing. Allele origin: germline.
Comment: The p.T152S variant (also known as c.455C>G), located in coding exon 3 of the RET gene, results from a C to G substitution at nucleotide position 455. The threonine at codon 152 is replaced by serine, an amino acid with similar properties. This amino acid position is poorly conserved in available vertebrate species. In addition, this alteration is predicted to be tolerated by in silico analysis. Since supporting evidence is limited at this time, the clinical significance of this alteration remains unclear.